The following is an entry in ClinVar:

NM_006922.4(SCN3A):c.3387C>A (p.Ser1129Arg)

Gene: SCN3A (sodium voltage-gated channel alpha subunit 3; minus strand). Cytogenetic location: 2q24.3.
Variant type: single nucleotide variant.
Coding change: c.3387C>A on transcript NM_006922.4 (MANE Select); coding-DNA position 3387, C replaced by A.
Protein change: p.Ser1129Arg; replaces serine 1129 with arginine.
Molecular consequence: missense variant.
Genome position (GRCh38, 1-based): chr2:165,127,637, G>T on the plus strand (C>A on the coding strand, the complement: SCN3A is on the minus strand). VCF-style: chr2-165127637-G-T. GRCh37 (hg19) VCF-style: chr2-165984147-G-T.
Other names: c.3240C>A, p.Ser1080Arg (NM_001081676.2, NM_001081677.2); short protein forms S1129R, S1080R.
Identifiers: ClinVar variation 547894 (VCV000547894.14), dbSNP rs774375940, ClinGen allele CA1938815.

ClinVar aggregate classification (germline): Conflicting classifications of pathogenicity. Review status: criteria provided, conflicting classifications (1 of 4 stars). 4 submissions from 4 submitters: Uncertain significance (1); Likely benign (2). 1 of the submissions does not count toward it. Last evaluated 2026-01-01.

Conditions:
SCN3A-related disorder. Also called: SCN3A-related condition.
Inborn genetic diseases. Identifiers: MedGen C0950123, MeSH D030342.

Allele frequency attached by ClinVar (database versions not stated): gnomAD 0.00001 and 0.00002; gnomAD exomes 0.00002 and 0.00010; TOPMed 0.00003; ExAC 0.00011.
gnomAD v4.1: 30 of 1,612,858 alleles (0.0019%); highest among the groups gnomAD compares: Admixed American, 0.05%; no homozygotes.

Submissions (4):

Labcorp Genetics (formerly Invitae), Labcorp
Classification: Likely benign. Last evaluated: 2026-01-01. Review status: criteria provided, single submitter. Criteria: Invitae Variant Classification Sherloc (09022015). Collection method: clinical testing. Allele origin: germline.

Ambry Genetics
Classification: Likely benign for Inborn genetic diseases. Last evaluated: 2025-06-07. Review status: criteria provided, single submitter. Criteria: Ambry Variant Classification Scheme 2023. Collection method: clinical testing. Allele origin: germline.

Mayo Clinic Laboratories, Mayo Clinic
Classification: Uncertain significance. Last evaluated: 2016-12-28. Review status: criteria provided, single submitter. Criteria: ACMG Guidelines, 2015. Collection method: clinical testing. Allele origin: paternal.

PreventionGenetics, part of Exact Sciences
Classification: Likely benign for SCN3A-related condition. Last evaluated: 2024-03-29. Review status: no assertion criteria provided. Collection method: clinical testing. Allele origin: germline. Not counted in ClinVar's aggregate classification.
Comment: This variant is classified as likely benign based on ACMG/AMP sequence variant interpretation guidelines (Richards et al. 2015 PMID: 25741868, with internal and published modifications).